The following is an entry in ClinVar:

NM_018100.4(EFHC1):c.1147C>T (p.Pro383Ser)

Gene: EFHC1 (EF-hand domain containing 1; plus strand). Cytogenetic location: 6p12.2.
Variant type: single nucleotide variant.
Coding change: c.1147C>T on transcript NM_018100.4 (MANE Select); coding-DNA position 1147, C replaced by T.
Protein change: p.Pro383Ser; replaces proline 383 with serine.
Molecular consequence: missense variant. On other transcripts: non-coding transcript variant (1).
Genome position (GRCh38, 1-based): chr6:52,469,342, C>T. VCF-style: chr6-52469342-C-T. GRCh37 (hg19) VCF-style: chr6-52334140-C-T.
Other names: c.1090C>T, p.Pro364Ser (NM_001172420.2); short protein forms P383S, P364S.
Identifiers: ClinVar variation 534110 (VCV000534110.9), dbSNP rs546262142, ClinGen allele CA3856002.

ClinVar aggregate classification (germline): Uncertain significance (1 of 4 stars; one submission).

Conditions:
Typical absence seizure. Identifiers: MedGen C5551411, HP:0011147.
Myoclonic epilepsy, juvenile, susceptibility to, 1. Also called: Myoclonic Epilepsy, Juvenile, 1; EJM1. Identifiers: MedGen C1850778, MONDO:0020752, OMIM 254770.

Allele frequency attached by ClinVar (database versions not stated): ExAC 0.00002; gnomAD 0.00002 and 0.00003; TOPMed 0.00002; gnomAD exomes 0.00003; 1000 Genomes Project 30x 0.00016; 1000 Genomes Project 0.00020.
gnomAD v4.1: 55 of 1,613,970 alleles (0.0034%); highest among the groups gnomAD compares: East Asian, 0.011%; no homozygotes.

Submission:

Labcorp Genetics (formerly Invitae), Labcorp
Classification: Uncertain significance for Myoclonic epilepsy, juvenile, susceptibility to, 1; Absence seizure. Last evaluated: 2022-02-04. Review status: criteria provided, single submitter. Criteria: Invitae Variant Classification Sherloc (09022015). Collection method: clinical testing. Allele origin: germline.
Comment: This sequence change replaces proline, which is neutral and non-polar, with serine, which is neutral and polar, at codon 383 of the EFHC1 protein (p.Pro383Ser). This variant is present in population databases (rs546262142, gnomAD 0.01%). This variant has not been reported in the literature in individuals affected with EFHC1-related conditions. This missense change has been observed in at least one individual who was not affected with EFHC1-related conditions (Invitae). ClinVar contains an entry for this variant (Variation ID: 534110). Algorithms developed to predict the effect of missense changes on protein structure and function (SIFT, PolyPhen-2, Align-GVGD) all suggest that this variant is likely to be disruptive. In summary, the available evidence is currently insufficient to determine the role of this variant in disease. Therefore, it has been classified as a Variant of Uncertain Significance.